The following is an entry in ClinVar:

ClinVar aggregate classification (germline): Pathogenic (1 of 4 stars; one submission).

gnomAD v4.1: 1 of 1,613,244 alleles (0.000062%); highest among the groups gnomAD compares: Non-Finnish European, 0.000085%; no homozygotes.

Submission:

Labcorp Genetics (formerly Invitae), Labcorp
Classification: Pathogenic. Last evaluated: 2023-12-13. Review status: criteria provided, single submitter. Criteria: Invitae Variant Classification Sherloc (09022015). Collection method: clinical testing. Allele origin: germline.
Comment: This sequence change creates a premature translational stop signal (p.Glu632*) in the SLC4A11 gene. It is expected to result in an absent or disrupted protein product. Loss-of-function variants in SLC4A11 are known to be pathogenic (PMID: 17220209, 17679935). This variant is not present in population databases (gnomAD no frequency). This premature translational stop signal has been observed in individual(s) with corneal endothelial dystrophy (PMID: 17679935, 19337156). For these reasons, this variant has been classified as Pathogenic.

Literature cited by the submitters: PubMed 17220209; PubMed 17679935; PubMed 19337156.

NM_001174089.2(SLC4A11):c.1846G>T (p.Glu616Ter)

Gene: SLC4A11 (solute carrier family 4 member 11; minus strand). Cytogenetic location: 20p13.
Variant type: single nucleotide variant.
Coding change: c.1846G>T on transcript NM_001174089.2 (MANE Select); coding-DNA position 1846, G replaced by T.
Protein change: p.Glu616Ter; replaces glutamic acid 616 with a stop codon.
Molecular consequence: nonsense. On other transcripts: non-coding transcript variant (3).
Genome position (GRCh38, 1-based): chr20:3,229,349, C>A on the plus strand (G>T on the coding strand, the complement: SLC4A11 is on the minus strand). VCF-style: chr20-3229349-C-A. GRCh37 (hg19) VCF-style: chr20-3209995-C-A.
Other names: c.1975G>T, p.Glu659Ter (NM_001174090.2); c.1732G>T, p.Glu578Ter (NM_001363745.2); c.1789G>T, p.Glu597Ter (NM_001400277.1, NM_001400278.1, NM_001400279.1); c.1861G>T, p.Glu621Ter (NM_001400280.1); c.1894G>T, p.Glu632Ter (NM_032034.4); short protein forms E578*, E659*, E597*, E632*, E616*, E621*.
Identifiers: ClinVar variation 2736935 (VCV002736935.3), dbSNP rs1445259508, ClinGen allele CA408087587.
Genomic context (GRCh38, chr20:3,229,349, plus strand): 5'-ATGCCTGCAGCGCCTGGGGAGCTACCCCACGTCACCCACCGCCCGGCCCCAACTCACTCT[C>A]GATTTCCCGGAAGCCATGGGAGCTGATGAGGGAGAAGGCGAGCACCGCGATGGGCAGGGC-3'